The following is an entry in ClinVar:

NM_004655.4(AXIN2):c.1629C>G (p.Cys543Trp)

Gene: AXIN2 (axin 2; minus strand). Cytogenetic location: 17q24.1.
Variant type: single nucleotide variant.
Coding change: c.1629C>G on transcript NM_004655.4 (MANE Select); coding-DNA position 1629, C replaced by G.
Protein change: p.Cys543Trp; replaces cysteine 543 with tryptophan.
Molecular consequence: missense variant.
Genome position (GRCh38, 1-based): chr17:65,537,407, G>C on the plus strand (C>G on the coding strand, the complement: AXIN2 is on the minus strand). VCF-style: chr17-65537407-G-C. GRCh37 (hg19) VCF-style: chr17-63533525-G-C.
Other names: c.1629C>G, p.Cys543Trp (NM_001363813.1); short protein forms C543W.
Identifiers: ClinVar variation 4187326 (VCV004187326.1).
Genomic context (GRCh38, chr17:65,537,407, plus strand): 5'-TTCCGGAGCCTTGGAGTGGCTTTTGCATTTCGAGTAGCAGTAATACTCGCTGCCCCCAGG[G>C]CAGAAGCAGTGCACCCGCTGCGTGGCCTCCGCCTCGATCTCCTCCTTGGTCTTGGGGACG-3'
Protein context (NP_004646.3, residues 533-553): AEATQRVHCF[Cys543Trp]PGGSEYYCYS

ClinVar aggregate classification (germline): Uncertain significance (1 of 4 stars; one submission).

Conditions:
Hereditary cancer-predisposing syndrome. Also called: Neoplastic Syndromes, Hereditary; Tumor predisposition; Hereditary Cancer Syndrome; Hereditary neoplastic syndrome. Identifiers: Orphanet 140162, MedGen C0027672, MeSH D009386, MONDO:0015356.

Submission:

Ambry Genetics
Classification: Uncertain significance for Hereditary cancer-predisposing syndrome. Last evaluated: 2025-07-17. Review status: criteria provided, single submitter. Criteria: Ambry Variant Classification Scheme 2023. Collection method: clinical testing. Allele origin: germline.
Comment: The p.C543W variant (also known as c.1629C>G), located in coding exon 5 of the AXIN2 gene, results from a C to G substitution at nucleotide position 1629. The cysteine at codon 543 is replaced by tryptophan, an amino acid with highly dissimilar properties. This amino acid position is conserved. In addition, the in silico prediction for this alteration is inconclusive. Based on the available evidence, the clinical significance of this variant remains unclear.